The following is an entry in ClinVar:

NM_001349253.2(SCN11A):c.4532A>G (p.Tyr1511Cys)

Gene: SCN11A (sodium voltage-gated channel alpha subunit 11; minus strand). Cytogenetic location: 3p22.2.
Variant type: single nucleotide variant.
Coding change: c.4532A>G on transcript NM_001349253.2 (MANE Select); coding-DNA position 4532, A replaced by G.
Protein change: p.Tyr1511Cys; replaces tyrosine 1511 with cysteine.
Molecular consequence: missense variant.
Genome position (GRCh38, 1-based): chr3:38,847,538, T>C on the plus strand (A>G on the coding strand, the complement: SCN11A is on the minus strand). VCF-style: chr3-38847538-T-C. GRCh37 (hg19) VCF-style: chr3-38889029-T-C.
Other names: c.4532A>G, p.Tyr1511Cys (NM_014139.3); short protein forms Y1511C.
Identifiers: ClinVar variation 2038187 (VCV002038187.4), dbSNP rs1177996824, ClinGen allele CA352163538.

ClinVar aggregate classification (germline): Uncertain significance (1 of 4 stars; one submission).

Conditions:
Hereditary sensory and autonomic neuropathy type 7. Also called: HSAN VII; Neuropathy, hereditary sensory and autonomic, type VII. Identifiers: Orphanet 391397, MedGen C3809882, MONDO:0014244, OMIM 615548.
Familial episodic pain syndrome with predominantly lower limb involvement. Also called: Episodic pain syndrome, familial, 3. Identifiers: Orphanet 391384, Orphanet 391392, MedGen C3809899, MONDO:0014247, OMIM 615552.

Allele frequency attached by ClinVar (database versions not stated): gnomAD exomes below 0.00001; TOPMed below 0.00001.
gnomAD v4.1: 4 of 1,614,138 alleles (0.00025%); highest among the groups gnomAD compares: Middle Eastern, 0.017%; no homozygotes.

Submission:

Labcorp Genetics (formerly Invitae), Labcorp
Classification: Uncertain significance for Familial episodic pain syndrome with predominantly lower limb involvement; Hereditary sensory and autonomic neuropathy type 7. Last evaluated: 2022-02-21. Review status: criteria provided, single submitter. Criteria: Invitae Variant Classification Sherloc (09022015). Collection method: clinical testing. Allele origin: germline.
Comment: In summary, the available evidence is currently insufficient to determine the role of this variant in disease. Therefore, it has been classified as a Variant of Uncertain Significance. Algorithms developed to predict the effect of missense changes on protein structure and function (SIFT, PolyPhen-2, Align-GVGD) all suggest that this variant is likely to be disruptive. This variant has not been reported in the literature in individuals affected with SCN11A-related conditions. This variant is present in population databases (no rsID available, gnomAD 0.0009%). This sequence change replaces tyrosine, which is neutral and polar, with cysteine, which is neutral and slightly polar, at codon 1511 of the SCN11A protein (p.Tyr1511Cys).